The following is an entry in ClinVar:

ClinVar aggregate classification (germline): Uncertain significance (1 of 4 stars; one submission).

Conditions:
EPILEPSY, CHILDHOOD ABSENCE, SUSCEPTIBILITY TO, 2 (ECA2). Identifiers: Orphanet 64280, MedGen C1843244, OMIM 607681.
Febrile seizures, familial, 8 (FEB8). Also called: CONVULSIONS, FAMILIAL FEBRILE, 8. Identifiers: Orphanet 36387, MedGen C1969810, MONDO:0011891, OMIM 607681.

Submission:

Labcorp Genetics (formerly Invitae), Labcorp
Classification: Uncertain significance for Febrile seizures, familial, 8; EPILEPSY, CHILDHOOD ABSENCE, SUSCEPTIBILITY TO, 2. Last evaluated: 2022-08-31. Review status: criteria provided, single submitter. Criteria: Invitae Variant Classification Sherloc (09022015). Collection method: clinical testing. Allele origin: germline.
Comment: In summary, the available evidence is currently insufficient to determine the role of this variant in disease. Therefore, it has been classified as a Variant of Uncertain Significance. Algorithms developed to predict the effect of sequence changes on RNA splicing suggest that this variant may create or strengthen a splice site. Advanced modeling of protein sequence and biophysical properties (such as structural, functional, and spatial information, amino acid conservation, physicochemical variation, residue mobility, and thermodynamic stability) performed at Invitae indicates that this missense variant is expected to disrupt GABRG2 protein function. This variant has not been reported in the literature in individuals affected with GABRG2-related conditions. This variant is not present in population databases (gnomAD no frequency). This sequence change replaces lysine, which is basic and polar, with isoleucine, which is neutral and non-polar, at codon 60 of the GABRG2 protein (p.Lys60Ile).

NM_198904.4(GABRG2):c.179A>T (p.Lys60Ile)

Gene: GABRG2 (gamma-aminobutyric acid type A receptor subunit gamma2; plus strand). Cytogenetic location: 5q34.
Variant type: single nucleotide variant.
Coding change: c.179A>T on transcript NM_198904.4 (MANE Select); coding-DNA position 179, A replaced by T.
Protein change: p.Lys60Ile; replaces lysine 60 with isoleucine.
Molecular consequence: missense variant. On other transcripts: 5 prime UTR variant (3).
Genome position (GRCh38, 1-based): chr5:162,093,899, A>T. VCF-style: chr5-162093899-A-T. GRCh37 (hg19) VCF-style: chr5-161520905-A-T.
Other names: c.179A>T, p.Lys60Ile (NM_000816.3, NM_001375340.1, NM_001375341.1 and 4 more transcripts); c.170A>T, p.Lys57Ile (NM_001375339.1); c.113A>T, p.Lys38Ile (NM_001375345.1, NM_001375346.1); c.92A>T, p.Lys31Ile (NM_001375347.1); c.-180A>T (NM_001375348.1, NM_001375350.1); c.-107A>T (NM_001375349.1); short protein forms K31I, K38I, K57I, K60I.
Identifiers: ClinVar variation 1718531 (VCV001718531.6), dbSNP rs2532553285, ClinGen allele CA362182989.
Genomic context (GRCh38, chr5:162,093,899, plus strand): 5'-AGAAATCTGATGATGACTATGAAGATTATGCTTCTAACAAAACATGGGTCTTGACTCCAA[A>T]AGTTCCTGAGGGTGATGTCACTGTCATCTTAAACAACCTGCTGGAAGGATATGACAATAA-3'
Protein context (NP_944494.1, residues 50-70): ASNKTWVLTP[Lys60Ile]VPEGDVTVIL